The following is an entry in ClinVar:

ClinVar aggregate classification (germline): Pathogenic. Review status: criteria provided, multiple submitters, no conflicts (2 of 4 stars). 2 submissions from 2 submitters: Pathogenic (2). Last evaluated 2023-06-28.

Conditions:
Distal arthrogryposis type 5D (DA5D). Identifiers: Orphanet 329457, MedGen C3554415, MONDO:0014028, OMIM 615065.

Allele frequency attached by ClinVar (database versions not stated): TOPMed below 0.00001.

Submissions (2):

GeneDx
Classification: Pathogenic. Last evaluated: 2023-06-28. Review status: criteria provided, single submitter. Criteria: GeneDx Variant Classification Process June 2021. Collection method: clinical testing. Allele origin: germline. Affected: yes.
Comment: Canonical splice site variant predicted to result in a null allele in a gene for which loss of function is a known mechanism of disease; Not observed at significant frequency in large population cohorts (gnomAD); This variant is associated with the following publications: (PMID: 33820833)

Division of Medical Genetics, Department of Pediatrics, All India Institute of Medical Sciences, New Delhi
Classification: Pathogenic for Distal arthrogryposis type 5D. Last evaluated: 2023-06-15. Review status: criteria provided, single submitter. Criteria: ACMG Guidelines, 2015. Collection method: research. Allele origin: germline. Affected: yes.

NM_004826.4(ECEL1):c.1685+1G>A

Gene: ECEL1 (endothelin converting enzyme like 1; minus strand). Cytogenetic location: 2q37.1.
Variant type: single nucleotide variant.
Coding change: c.1685+1G>A on transcript NM_004826.4 (MANE Select); the canonical splice donor site of the intron after coding-DNA position 1685, G replaced by A.
Molecular consequence: splice donor variant. On other transcripts: intron variant (1).
Genome position (GRCh38, 1-based): chr2:232,482,850, C>T on the plus strand (G>A on the coding strand, the complement: ECEL1 is on the minus strand). VCF-style: chr2-232482850-C-T. GRCh37 (hg19) VCF-style: chr2-233347560-C-T.
Other names: c.1679+7G>A (NM_001290787.2).
Identifiers: ClinVar variation 2506368 (VCV002506368.2), dbSNP rs587777131, ClinGen allele CA350998398.